The following is an entry in ClinVar:

ClinVar aggregate classification (germline): Benign (1 of 4 stars; one submission).

Conditions:
Rhabdoid tumor predisposition syndrome 2 (RTPS2). Identifiers: Orphanet 231108, Orphanet 69077, MedGen C2750074, MONDO:0013224, OMIM 613325.

Submission:

Myriad Genetics, Inc.
Classification: Benign for Rhabdoid tumor predisposition syndrome 2. Last evaluated: 2026-07-27. Review status: criteria provided, single submitter. Criteria: Myriad Autosomal Dominant, Autosomal Recessive and X-Linked Classification Criteria (2023). Collection method: clinical testing. Allele origin: unknown.
Comment: This variant is considered benign. This variant occurs in the non-coding 3' untranslated region of the gene, and is not expected to impact protein function.

NM_003072.5(SMARCA4):c.*3C>T

Gene: SMARCA4 (SWI/SNF related BAF chromatin remodeling complex subunit ATPase 4; plus strand). Cytogenetic location: 19p13.2.
Variant type: single nucleotide variant.
Coding change: c.*3C>T on transcript NM_003072.5 (MANE Select); 3 bases downstream of the stop codon, C replaced by T.
Molecular consequence: 3 prime UTR variant. On other transcripts: non-coding transcript variant (1).
Genome position (GRCh38, 1-based): chr19:11,061,819, C>T. VCF-style: chr19-11061819-C-T. GRCh37 (hg19) VCF-style: chr19-11172495-C-T.
Other names: c.*3C>T (NM_001128844.3, NM_001128845.2, NM_001128846.2 and 6 more transcripts).
Identifiers: ClinVar variation 5042104 (VCV005042104.1).